The following is an entry in ClinVar:

ClinVar aggregate classification (germline): Pathogenic/Likely pathogenic. Review status: criteria provided, multiple submitters, no conflicts (2 of 4 stars). 2 submissions from 2 submitters: Pathogenic (1); Likely pathogenic (1). Last evaluated 2025-09-19.

Conditions:
Marfan syndrome (MFS). Also called: MARFAN SYNDROME, TYPE I; Marfan syndrome type 1; Marfan's syndrome; Marfan syndrome, classic; FBN1-Related Marfan Syndrome. Identifiers: Orphanet 284963, Orphanet 558, MedGen C0024796, MONDO:0007947, OMIM 154700.
Familial thoracic aortic aneurysm and aortic dissection (TAAD). Also called: Thoracic aortic aneurysms and dissections. Identifiers: Orphanet 91387, MedGen C4707243, MONDO:0019625.

Submissions (2):

3billion
Classification: Pathogenic for Marfan syndrome. Last evaluated: 2025-09-19. Review status: criteria provided, single submitter. Criteria: ACMG Guidelines, 2015. Collection method: clinical testing. Allele origin: germline. Affected: yes.
Comment: The variant is not observed in the gnomAD v4.1.0 dataset. Predicted Consequence/Location: Missense variant In silico tool predictions suggest damaging effect of the variant on gene or gene product [REVEL: 0.86 (>=0.6, sensitivity 0.68 and specificity 0.92); 3Cnet: 0.90 (> 0.75, sensitivity 0.96 and precision 0.92)]. The same nucleotide change resulting in the same amino acid change has been previously reported to be associated with FBN1-related disorder (ClinVar ID: VCV002953589 /PMID: 37107549).The variant has been previously reported as de novo in a similarly affected individual (PMID: 37107549). Different missense changes at the same codon (p.Cys119Arg, p.Cys119Gly, p.Cys119Phe) have been reported as pathogenic/likely pathogenic with strong evidence (ClinVar ID: VCV000959605, VCV003381480 /PMID: 27906200, 34818515). Therefore, this variant is classified as Pathogenic according to the recommendation of ACMG/AMP guideline.

Labcorp Genetics (formerly Invitae), Labcorp
Classification: Likely pathogenic for Marfan syndrome; Familial thoracic aortic aneurysm and aortic dissection. Last evaluated: 2023-11-13. Review status: criteria provided, single submitter. Criteria: Invitae Variant Classification Sherloc (09022015). Collection method: clinical testing. Allele origin: germline.
Comment: This sequence change replaces cysteine, which is neutral and slightly polar, with tyrosine, which is neutral and polar, at codon 119 of the FBN1 protein (p.Cys119Tyr). This variant is not present in population databases (gnomAD no frequency). This variant has not been reported in the literature in individuals affected with FBN1-related conditions. Advanced modeling of protein sequence and biophysical properties (such as structural, functional, and spatial information, amino acid conservation, physicochemical variation, residue mobility, and thermodynamic stability) performed at Invitae indicates that this missense variant is expected to disrupt FBN1 protein function with a positive predictive value of 95%. This variant affects a cysteine residue in the EGF-like, TGFBP or hybrid motif domains of FBN1. Cysteine residues are believed to be involved in intramolecular disulfide bridges and have been shown to be important for FBN1 protein structure (PMID: 16905551, 19349279). In addition, missense substitutions affecting cysteine residues within these domains are significantly overrepresented among patients with Marfan syndrome (PMID: 16571647, 17701892). In summary, the currently available evidence indicates that the variant is pathogenic, but additional data are needed to prove that conclusively. Therefore, this variant has been classified as Likely Pathogenic.

Literature cited by the submitters: PubMed 37107549 (cited by 3billion); PubMed 27906200 (cited by 3billion); PubMed 16905551 (cited by Labcorp Genetics (formerly Invitae), Labcorp); PubMed 19349279 (cited by Labcorp Genetics (formerly Invitae), Labcorp); PubMed 16571647 (cited by Labcorp Genetics (formerly Invitae), Labcorp); PubMed 17701892 (cited by Labcorp Genetics (formerly Invitae), Labcorp).

NM_000138.5(FBN1):c.356G>A (p.Cys119Tyr)

Gene: FBN1 (fibrillin 1; minus strand). Cytogenetic location: 15q21.1.
Variant type: single nucleotide variant.
Coding change: c.356G>A on transcript NM_000138.5 (MANE Select); coding-DNA position 356, G replaced by A.
Protein change: p.Cys119Tyr; replaces cysteine 119 with tyrosine.
Molecular consequence: missense variant.
Genome position (GRCh38, 1-based): chr15:48,600,225, C>T on the plus strand (G>A on the coding strand, the complement: FBN1 is on the minus strand). VCF-style: chr15-48600225-C-T. GRCh37 (hg19) VCF-style: chr15-48892422-C-T.
Other names: c.356G>A, p.Cys119Tyr (NM_001406716.1, NM_001406717.1); short protein forms C119Y.
Identifiers: ClinVar variation 2953589 (VCV002953589.4), dbSNP rs111604463, ClinGen allele CA270052242.